The following is an entry in ClinVar:

NM_021930.6(RINT1):c.245C>A (p.Thr82Lys)

Gene: RINT1 (RAD50 interactor 1; plus strand). Cytogenetic location: 7q22.3.
Variant type: single nucleotide variant.
Coding change: c.245C>A on transcript NM_021930.6 (MANE Select); coding-DNA position 245, C replaced by A.
Protein change: p.Thr82Lys; replaces threonine 82 with lysine.
Molecular consequence: missense variant. On other transcripts: 5 prime UTR variant (3), non-coding transcript variant (1), intron variant (1).
Genome position (GRCh38, 1-based): chr7:105,536,721, C>A. VCF-style: chr7-105536721-C-A. GRCh37 (hg19) VCF-style: chr7-105177168-C-A.
Other names: c.-775C>A (NM_001346600.2); c.-678C>A (NM_001346601.2); c.-298C>A (NM_001346603.2); c.39+109C>A (NM_001346599.2); short protein forms T82K.
Identifiers: ClinVar variation 1791604 (VCV001791604.2), dbSNP rs2485100213, ClinGen allele CA368800679.

ClinVar aggregate classification (germline): Uncertain significance (1 of 4 stars; one submission).

Submission:

Ambry Genetics
Classification: Uncertain significance. Last evaluated: 2022-09-01. Review status: criteria provided, single submitter. Criteria: Ambry Variant Classification Scheme 2023. Collection method: clinical testing. Allele origin: germline.
Comment: The p.T82K variant (also known as c.245C>A), located in coding exon 3 of the RINT1 gene, results from a C to A substitution at nucleotide position 245. The threonine at codon 82 is replaced by lysine, an amino acid with similar properties. This amino acid position is conserved. In addition, this alteration is predicted to be tolerated by in silico analysis. Since supporting evidence is limited at this time, the clinical significance of this alteration remains unclear.